The following is an entry in ClinVar:

ClinVar aggregate classification (germline): Pathogenic. Review status: criteria provided, multiple submitters, no conflicts (2 of 4 stars). 4 submissions from 4 submitters: Pathogenic (4). Last evaluated 2023-10-30.

Conditions:
Retinal dystrophy. Also called: Inherited retinal dystrophy. Identifiers: Orphanet 71862, MedGen C0854723, MeSH D058499, MONDO:0019118, HP:0000556.
Nephronophthisis. Also called: Juvenile Nephronophthisis. Identifiers: Orphanet 655, MedGen C0687120, MONDO:0019005, HP:0000090.
Senior-Loken syndrome 5 (SLSN5). Identifiers: Orphanet 3156, MedGen C1836517, MONDO:0012225, OMIM 609254.
Renal dysplasia and retinal aplasia (SLSN). Also called: Senior-Loken syndrome. Identifiers: Orphanet 3156, MedGen C0403553, MONDO:0017842.

gnomAD v4.1: 10 of 1,613,668 alleles (0.00062%); highest among the groups gnomAD compares: South Asian, 0.0044%; no homozygotes.

Submissions (4):

3billion
Classification: Pathogenic for Senior-Loken syndrome 5. Last evaluated: 2023-10-30. Review status: criteria provided, single submitter. Criteria: ACMG Guidelines, 2015. Collection method: clinical testing. Allele origin: germline. Affected: yes.
Comment: The variant is not observed in the gnomAD v2.1.1 dataset. Predicted Consequence/Location: Stop-gained (nonsense): predicted to result in a loss or disruption of normal protein function through nonsense-mediated decay (NMD) or protein truncation. Multiple pathogenic variants are reported downstream of the variant. The variant has been reported at least twice as pathogenic without evidence for the classification (ClinVar ID: VCV000504877 /PMID: 21220633). Therefore, this variant is classified as Pathogenic according to the recommendation of ACMG/AMP guideline.

Labcorp Genetics (formerly Invitae), Labcorp
Classification: Pathogenic for Nephronophthisis. Last evaluated: 2022-02-13. Review status: criteria provided, single submitter. Criteria: Invitae Variant Classification Sherloc (09022015). Collection method: clinical testing. Allele origin: germline.
Comment: For these reasons, this variant has been classified as Pathogenic. ClinVar contains an entry for this variant (Variation ID: 504877). This premature translational stop signal has been observed in individual(s) with Leber congenital amaurosis and Senior-Løken syndrome (PMID: 21220633, 21866095). This variant is not present in population databases (gnomAD no frequency). This sequence change creates a premature translational stop signal (p.Arg455*) in the IQCB1 gene. It is expected to result in an absent or disrupted protein product. Loss-of-function variants in IQCB1 are known to be pathogenic (PMID: 15723066, 21901789, 23559409, 28041643).

Institute of Human Genetics, Univ. Regensburg, Univ. Regensburg
Classification: Pathogenic for Retinal dystrophy. Last evaluated: 2020-01-01. Review status: criteria provided, single submitter. Criteria: ACMG Guidelines, 2015. Collection method: clinical testing. Allele origin: germline. Affected: yes.

Laboratory for Molecular Medicine, Mass General Brigham Personalized Medicine
Classification: Pathogenic for Renal dysplasia and retinal aplasia. Last evaluated: 2017-09-01. Review status: criteria provided, single submitter. Criteria: LMM Criteria. Collection method: clinical testing. Allele origin: germline. Inheritance: Autosomal recessive inheritance. Observed: 1 variant allele.
Comment: The p.Arg455X variant in IQCB1 (previously named NPHP5) has been reported in 1 h omozygous individual with Senior-L?ken syndrome (Chaki 2011), and in 1 child wit h Leber congenital amaurosis (LCA), in trans with another pathogenic IQCB1 varia nt (Stone 2011). This variant was absent from large population studies. This non sense variant leads to a premature termination codon at position 455 which is pr edicted to lead to a truncated or absent protein. Nonsense and other variants le ading to loss of function of the IQCB1 protein are an established cause of Senio r-L?ken syndrome. In summary, this variant meets our criteria to be classified a s pathogenic for Seni?r-Loken syndrome in an autosomal recessive manner based up on its presence in affected individuals, absence from controls, and predicted im pact on the protein.

Literature cited by the submitters: PubMed 21220633 (cited by 4 submitters); PubMed 21866095 (cited by 3 submitters); PubMed 15723066 (cited by Labcorp Genetics (formerly Invitae), Labcorp); PubMed 21901789 (cited by Labcorp Genetics (formerly Invitae), Labcorp); PubMed 23559409 (cited by Labcorp Genetics (formerly Invitae), Labcorp); PubMed 28041643 (cited by Labcorp Genetics (formerly Invitae), Labcorp); PubMed 25525159 (cited by Institute of Human Genetics, Univ. Regensburg, Univ. Regensburg); PubMed 30087219 (cited by Institute of Human Genetics, Univ. Regensburg, Univ. Regensburg); PubMed 30609409 (cited by Institute of Human Genetics, Univ. Regensburg, Univ. Regensburg).

NM_001023570.4(IQCB1):c.1363C>T (p.Arg455Ter)

Gene: IQCB1 (IQ motif containing B1; minus strand). Cytogenetic location: 3q13.33.
Variant type: single nucleotide variant.
Coding change: c.1363C>T on transcript NM_001023570.4 (MANE Select); coding-DNA position 1363, C replaced by T.
Protein change: p.Arg455Ter; replaces arginine 455 with a stop codon.
Molecular consequence: nonsense. On other transcripts: non-coding transcript variant (1).
Genome position (GRCh38, 1-based): chr3:121,781,790, G>A on the plus strand (C>T on the coding strand, the complement: IQCB1 is on the minus strand). VCF-style: chr3-121781790-G-A. GRCh37 (hg19) VCF-style: chr3-121500637-G-A.
Other names: c.964C>T, p.Arg322Ter (NM_001023571.4); c.1363C>T, p.Arg455Ter (NM_001319107.2); short protein forms R455*, R322*.
Identifiers: ClinVar variation 504877 (VCV000504877.14), dbSNP rs866982675, ClinGen allele CA82725920.